The following is an entry in ClinVar:

ClinVar aggregate classification (germline): Uncertain significance (1 of 4 stars; one submission).

Conditions:
Anauxetic dysplasia. Identifiers: Orphanet 93347, MedGen C1846796, MONDO:0011773.

Allele frequency attached by ClinVar (database versions not stated): TOPMed below 0.00001.

Submission:

Labcorp Genetics (formerly Invitae), Labcorp
Classification: Uncertain significance for Anauxetic dysplasia. Last evaluated: 2019-08-21. Review status: criteria provided, single submitter. Criteria: Invitae Variant Classification Sherloc (09022015). Collection method: clinical testing. Allele origin: germline.
Comment: This variant occurs in the RMRP gene, which encodes an RNA molecule that does not result in a protein product. The frequency data for this variant in the population databases is considered unreliable, as metrics indicate insufficient coverage at this position in the ExAC database. This variant has not been reported in the literature in individuals with RMRP-related conditions. Experimental studies and prediction algorithms are not available for this variant, and the functional significance of this non-coding change is currently unknown. In summary, the available evidence is currently insufficient to determine the role of this variant in disease. Therefore, it has been classified as a Variant of Uncertain Significance.

NR_003051.4(RMRP):n.134_135insT

Gene: RMRP (RNA component of mitochondrial RNA processing endoribonuclease; minus strand). Cytogenetic location: 9p13.3.
Variant type: Insertion.
Genome position: GRCh38 VCF-style: chr9-35657885-G-GA. GRCh37 (hg19) VCF-style: chr9-35657882-G-GA.
Identifiers: ClinVar variation 933722 (VCV000933722.1), dbSNP rs1823614344, ClinGen allele CA1139660920.